The following is an entry in ClinVar:

NM_020822.3(KCNT1):c.616_618del (p.Gln206del)

Gene: KCNT1 (potassium sodium-activated channel subfamily T member 1; plus strand). Cytogenetic location: 9q34.3.
Variant type: Deletion.
Coding change: c.616_618del on transcript NM_020822.3 (MANE Select); coding-DNA positions 616 to 618, 3 bases deleted (CAG; older notation c.616_618delCAG).
Protein change: p.Gln206del; deletes glutamine 206.
Molecular consequence: inframe deletion.
Genome position (GRCh38, 1-based): chr9:135,757,171-135,757,173, CAG deleted; deleting any 3 consecutive bases within chr9:135,757,169-135,757,173 gives the same sequence; the c. name uses the placement nearest the transcript's 3' end. VCF-style (leftmost placement, unchanged base first): chr9-135757168-GAGC-G. GRCh37 (hg19) VCF-style: chr9-138649014-GAGC-G.
Other names: c.472_474del, p.Gln158del (NM_001272003.2); short protein forms Q158del, Q206del.
Identifiers: ClinVar variation 1958495 (VCV001958495.5), dbSNP rs2490834086, ClinGen allele CA2580080063.
Genomic context (GRCh38, chr9:135,757,168, plus strand): 5'-CACCCCCACCCTCCATCGCCCCCGCTGATACCCCCCGTTTGGCCCCAGGGCAACATCTGG[GAGC>G]AGATCTTCCGCGTGTCCTTCGTCCTGGAGATGATCAACACTCTGCCCTTCATCATCACGG-3'

ClinVar aggregate classification (germline): Uncertain significance (1 of 4 stars; one submission).

Conditions:
Autosomal dominant nocturnal frontal lobe epilepsy 5. Also called: Epilepsy, nocturnal frontal lobe, 5; CILIARY DYSKINESIA, PRIMARY, 28, WITHOUT SITUS INVERSUS; CILIARY DYSKINESIA, PRIMARY, 28, WITH SITUS INVERSUS; KCNT1-Related Epilepsy. Identifiers: Orphanet 98784, MedGen C3554306, MONDO:0014002, OMIM 615005.
Developmental and epileptic encephalopathy, 14 (DEE14). Also called: Early infantile epileptic encephalopathy 14. Identifiers: Orphanet 293181, MedGen C3554195, MONDO:0013989, OMIM 614959.

Submission:

Labcorp Genetics (formerly Invitae), Labcorp
Classification: Uncertain significance for Autosomal dominant nocturnal frontal lobe epilepsy 5; Developmental and epileptic encephalopathy, 14. Last evaluated: 2023-04-14. Review status: criteria provided, single submitter. Criteria: Invitae Variant Classification Sherloc (09022015). Collection method: clinical testing. Allele origin: germline.
Comment: In summary, the available evidence is currently insufficient to determine the role of this variant in disease. Therefore, it has been classified as a Variant of Uncertain Significance. Experimental studies and prediction algorithms are not available or were not evaluated, and the functional significance of this variant is currently unknown. ClinVar contains an entry for this variant (Variation ID: 1958495). This variant has not been reported in the literature in individuals affected with KCNT1-related conditions. This variant is not present in population databases (gnomAD no frequency). This variant, c.616_618del, results in the deletion of 1 amino acid(s) of the KCNT1 protein (p.Gln206del), but otherwise preserves the integrity of the reading frame.